The following is an entry in ClinVar:

ClinVar aggregate classification (germline): Benign/Likely benign. Review status: criteria provided, multiple submitters, no conflicts (2 of 4 stars). 8 submissions from 8 submitters: Benign (3); Likely benign (5). Last evaluated 2026-09-01.

Conditions:
Hereditary cancer-predisposing syndrome. Also called: Neoplastic Syndromes, Hereditary; Tumor predisposition; Hereditary Cancer Syndrome; Hereditary neoplastic syndrome. Identifiers: Orphanet 140162, MedGen C0027672, MeSH D009386, MONDO:0015356.
Gorlin syndrome. Also called: Basal cell nevus syndrome; Nevoid Basal Cell Carcinoma Syndrome. Identifiers: Orphanet 377, MedGen C0004779, MONDO:0007187.

Submissions (8):

CeGaT Center for Human Genetics Tuebingen
Classification: Likely benign. Last evaluated: 2026-09-01. Review status: criteria provided, single submitter. Criteria: CeGaT Center For Human Genetics Tuebingen Variant Classification Criteria Version 2. Collection method: clinical testing. Allele origin: germline. Affected: yes. Observed: 5 variant alleles.
Comment: PTCH1: BP4, BS1

Quest Diagnostics Nichols Institute San Juan Capistrano
Classification: Benign. Last evaluated: 2025-10-29. Review status: criteria provided, single submitter. Criteria: Quest Diagnostics criteria. Collection method: clinical testing. Allele origin: unknown.

Center for Genomic Medicine, Rigshospitalet, Copenhagen University Hospital
Classification: Likely benign. Last evaluated: 2025-03-04. Review status: criteria provided, single submitter. Criteria: ACMG Guidelines, 2015. Collection method: clinical testing. Allele origin: germline.

Blueprint Genetics
Classification: Likely benign. Last evaluated: 2024-11-19. Review status: criteria provided, single submitter. Criteria: ACMG Guidelines, 2015. Collection method: clinical testing. Allele origin: germline.

GeneDx
Classification: Likely benign. Last evaluated: 2022-03-29. Review status: criteria provided, single submitter. Criteria: GeneDx Variant Classification Process June 2021. Collection method: clinical testing. Allele origin: germline. Affected: yes.

Genetic Services Laboratory, University of Chicago
Classification: Likely benign. Last evaluated: 2021-07-27. Review status: criteria provided, single submitter. Criteria: ACMG Guidelines, 2015. Collection method: clinical testing. Allele origin: germline. Affected: no.

Ambry Genetics
Classification: Benign for Hereditary cancer-predisposing syndrome. Last evaluated: 2020-07-20. Review status: criteria provided, single submitter. Criteria: Ambry Variant Classification Scheme 2023. Collection method: clinical testing. Allele origin: germline.

Labcorp Genetics (formerly Invitae), Labcorp
Classification: Benign for Gorlin syndrome. Last evaluated: 2016-11-24. Review status: criteria provided, single submitter. Criteria: Invitae Variant Classification Sherloc (09022015). Collection method: clinical testing. Allele origin: germline.

NM_000264.5(PTCH1):c.-24GGC[6]

Genes: PTCH1 (patched 1; minus strand), LOC130002133 (ATAC-STARR-seq lymphoblastoid silent region 20071; plus strand). Cytogenetic location: 9q22.32.
Variant type: Microsatellite.
Coding change: c.-24GGC[6] on transcript NM_000264.5 (MANE Select); six copies in a row of the 3-base unit GGC starting at c.-24; the reference has seven copies in a row; one copy, 3 bases deleted.
Molecular consequence: 5 prime UTR variant. On other transcripts: non-coding transcript variant (1), intron variant (3).
Genome position (GRCh38, 1-based): chr9:95,508,365-95,508,367, GCC deleted on the plus strand (GGC on the coding strand, the reverse complement: PTCH1 is on the minus strand); deleting any 3 consecutive bases within chr9:95,508,365-95,508,387 gives the same sequence; the position shown is the placement nearest the transcript's 3' end. VCF-style (leftmost placement, unchanged base first): chr9-95508364-TGCC-T. GRCh37 (hg19) VCF-style: chr9-98270646-TGCC-T.
Other names: c.-6_-4delGGC (NM_000264.5); c.-24GGC[6] (NM_001354918.2); c.199-1786GGC[6] (NM_001083603.3); c.4-1786GGC[6] (NM_001083602.3, NM_001354919.2).
Identifiers: ClinVar variation 215455 (VCV000215455.47), dbSNP rs71366293, ClinGen allele CA336731.
Genomic context (GRCh38, chr9:95,508,364, plus strand): 5'-AGCCGCTGCCGCCGCCGCCGCGGTCCTGGGGCTCGGCGGCGTTACCAGCCGAGGCCATGT[TGCC>T]GCCGCCGCCGCCGCCGCCGCGGGGACGGAGGCTTCCCGGGCGGCCCGGCGCGCTGCTGCC-3'